The following is an entry in ClinVar:

ClinVar aggregate classification (germline): Uncertain significance (1 of 4 stars; one submission).

Allele frequency attached by ClinVar (database versions not stated): gnomAD exomes below 0.00001; gnomAD 0.00001; TOPMed 0.00002.
gnomAD v4.1: 4 of 1,612,464 alleles (0.00025%); highest among the groups gnomAD compares: Admixed American, 0.0017%; no homozygotes.

Submission:

Labcorp Genetics (formerly Invitae), Labcorp
Classification: Uncertain significance. Last evaluated: 2022-08-23. Review status: criteria provided, single submitter. Criteria: Invitae Variant Classification Sherloc (09022015). Collection method: clinical testing. Allele origin: germline.
Comment: This sequence change replaces aspartic acid, which is acidic and polar, with asparagine, which is neutral and polar, at codon 211 of the SERPINH1 protein (p.Asp211Asn). This variant is not present in population databases (gnomAD no frequency). This variant has not been reported in the literature in individuals affected with SERPINH1-related conditions. ClinVar contains an entry for this variant (Variation ID: 1473416). Advanced modeling of protein sequence and biophysical properties (such as structural, functional, and spatial information, amino acid conservation, physicochemical variation, residue mobility, and thermodynamic stability) performed at Invitae indicates that this missense variant is not expected to disrupt SERPINH1 protein function. In summary, the available evidence is currently insufficient to determine the role of this variant in disease. Therefore, it has been classified as a Variant of Uncertain Significance.

NM_001235.5(SERPINH1):c.631G>A (p.Asp211Asn)

Gene: SERPINH1 (serpin family H member 1; plus strand). Cytogenetic location: 11q13.5.
Variant type: single nucleotide variant.
Coding change: c.631G>A on transcript NM_001235.5 (MANE Select); coding-DNA position 631, G replaced by A.
Protein change: p.Asp211Asn; replaces aspartic acid 211 with asparagine.
Molecular consequence: missense variant.
Genome position (GRCh38, 1-based): chr11:75,568,739, G>A. VCF-style: chr11-75568739-G-A. GRCh37 (hg19) VCF-style: chr11-75279784-G-A.
Other names: c.631G>A, p.Asp211Asn (NM_001207014.3); short protein forms D211N.
Identifiers: ClinVar variation 1473416 (VCV001473416.4), dbSNP rs552545957, ClinGen allele CA224683771.